The following is an entry in ClinVar:

ClinVar aggregate classification (germline): Uncertain significance (1 of 4 stars; one submission).

Conditions:
Familial intrahepatic cholestasis. Identifiers: Orphanet 284385, MedGen CN296401, MONDO:0017290.
Low phospholipid associated cholelithiasis (GBD1). Also called: Gallbladder disease 1; Gallstone cholecystitis. Identifiers: Orphanet 69663, MedGen C2609268, MONDO:0010939, OMIM 600803.

Submission:

Genomenon, Inc
Classification: Uncertain significance for Familial intrahepatic cholestasis; Low phospholipid associated cholelithiasis. Last evaluated: 2026-04-14. Review status: criteria provided, single submitter. Criteria: Genomenon Sequence Variant Interpretation Standards - Updated. Collection method: curation. Allele origin: germline. Affected: yes.
Comment: ABCB4 p.Leu859Trp (c.2576T>G) is a missense variant that changes the amino acid at residue 859 from Leucine to Tryptophan. This variant has been observed in at least one proband with an ABCB4-related disorder (PMID:20422496;26324191). It is absent or not present at a significant frequency in gnomAD. In silico models predict that this variant is possibly or probably damaging. In conclusion, we classify ABCB4 p.Leu859Trp (c.2576T>G) as a variant of uncertain significance.

Literature cited by the submitters: PubMed 20422496; PubMed 26324191.

NM_000443.4(ABCB4):c.2576T>G (p.Leu859Trp)

Gene: ABCB4 (ATP binding cassette subfamily B member 4; minus strand). Cytogenetic location: 7q21.12.
Variant type: single nucleotide variant.
Coding change: c.2576T>G on transcript NM_000443.4 (MANE Select); coding-DNA position 2576, T replaced by G.
Protein change: p.Leu859Trp; replaces leucine 859 with tryptophan.
Molecular consequence: missense variant.
Genome position (GRCh38, 1-based): chr7:87,417,418, A>C on the plus strand (T>G on the coding strand, the complement: ABCB4 is on the minus strand). VCF-style: chr7-87417418-A-C. GRCh37 (hg19) VCF-style: chr7-87046734-A-C.
Other names: c.2576T>G, p.Leu859Trp (NM_018849.3, NM_018850.3); short protein forms L859W.
Identifiers: ClinVar variation 4846550 (VCV004846550.1).